The following is an entry in ClinVar:

NM_033004.4(NLRP1):c.1975G>A (p.Ala659Thr)

Gene: NLRP1 (NLR family pyrin domain containing 1; minus strand). Cytogenetic location: 17p13.2.
Variant type: single nucleotide variant.
Coding change: c.1975G>A on transcript NM_033004.4 (MANE Select); coding-DNA position 1975, G replaced by A.
Protein change: p.Ala659Thr; replaces alanine 659 with threonine.
Molecular consequence: missense variant.
Genome position (GRCh38, 1-based): chr17:5,558,721, C>T on the plus strand (G>A on the coding strand, the complement: NLRP1 is on the minus strand). VCF-style: chr17-5558721-C-T. GRCh37 (hg19) VCF-style: chr17-5462041-C-T.
Other names: c.1975G>A, p.Ala659Thr (NM_001033053.3, NM_014922.5, NM_033006.4 and 1 more transcripts); short protein forms A659T.
Identifiers: ClinVar variation 1042050 (VCV001042050.8), dbSNP rs780905238, ClinGen allele CA8327292.

ClinVar aggregate classification (germline): Uncertain significance (1 of 4 stars; one submission).

Allele frequency attached by ClinVar (database versions not stated): ExAC 0.00001; gnomAD 0.00001; gnomAD exomes 0.00001; TOPMed 0.00002.
gnomAD v4.1: 5 of 1,614,088 alleles (0.00031%); highest among the groups gnomAD compares: Admixed American, 0.0083%; no homozygotes.

Submission:

Labcorp Genetics (formerly Invitae), Labcorp
Classification: Uncertain significance. Last evaluated: 2025-06-02. Review status: criteria provided, single submitter. Criteria: Invitae Variant Classification Sherloc (09022015). Collection method: clinical testing. Allele origin: germline.
Comment: This sequence change replaces alanine, which is neutral and non-polar, with threonine, which is neutral and polar, at codon 659 of the NLRP1 protein (p.Ala659Thr). This variant is present in population databases (rs780905238, gnomAD 0.006%). This variant has not been reported in the literature in individuals affected with NLRP1-related conditions. ClinVar contains an entry for this variant (Variation ID: 1042050). An algorithm developed to predict the effect of missense changes on protein structure and function (PolyPhen-2) suggests that this variant is likely to be disruptive. In summary, the available evidence is currently insufficient to determine the role of this variant in disease. Therefore, it has been classified as a Variant of Uncertain Significance.